The following is an entry in ClinVar:

NM_001457.4(FLNB):c.1925G>A (p.Gly642Asp)

Gene: FLNB (filamin B; plus strand). Cytogenetic location: 3p14.3.
Variant type: single nucleotide variant.
Coding change: c.1925G>A on transcript NM_001457.4 (MANE Select); coding-DNA position 1925, G replaced by A.
Protein change: p.Gly642Asp; replaces glycine 642 with aspartic acid.
Molecular consequence: missense variant.
Genome position (GRCh38, 1-based): chr3:58,106,857, G>A. VCF-style: chr3-58106857-G-A. GRCh37 (hg19) VCF-style: chr3-58092584-G-A.
Other names: c.1925G>A, p.Gly642Asp (NM_001164317.2, NM_001164318.2, NM_001164319.2); short protein forms G642D.
Identifiers: ClinVar variation 2573473 (VCV002573473.2), dbSNP rs1576728825, ClinGen allele CA353340838.
Genomic context (GRCh38, chr3:58,106,857, plus strand): 5'-GTGACGACGAAGACATCAAGGACAGCCCGTACATGGCCTTCATCCACCCAGCCACGGGAG[G>A]CTACAACCCTGATCTGGTGAATCAGCTGCTGTGCTTCTGTCTTCTTGTCCCTGGCCCCTG-3'
Protein context (NP_001448.2, residues 632-652): YMAFIHPATG[Gly642Asp]YNPDLVRAYG

ClinVar aggregate classification (germline): Uncertain significance. Review status: criteria provided, multiple submitters, no conflicts (2 of 4 stars). 2 submissions from 2 submitters: Uncertain significance (2). Last evaluated 2025-09-25.

Submissions (2):

Labcorp Genetics (formerly Invitae), Labcorp
Classification: Uncertain significance. Last evaluated: 2025-09-25. Review status: criteria provided, single submitter. Criteria: Invitae Variant Classification Sherloc (09022015). Collection method: clinical testing. Allele origin: germline.
Comment: This sequence change replaces glycine, which is neutral and non-polar, with aspartic acid, which is acidic and polar, at codon 642 of the FLNB protein (p.Gly642Asp). This variant is not present in population databases (gnomAD no frequency). This variant has not been reported in the literature in individuals affected with FLNB-related conditions. ClinVar contains an entry for this variant (Variation ID: 2573473). Invitae Evidence Modeling of protein sequence and biophysical properties (such as structural, functional, and spatial information, amino acid conservation, physicochemical variation, residue mobility, and thermodynamic stability) indicates that this missense variant is not expected to disrupt FLNB protein function with a negative predictive value of 95%. In summary, the available evidence is currently insufficient to determine the role of this variant in disease. Therefore, it has been classified as a Variant of Uncertain Significance.

Women's Health and Genetics/Laboratory Corporation of America, LabCorp
Classification: Uncertain significance. Last evaluated: 2023-06-13. Review status: criteria provided, single submitter. Criteria: LabCorp Variant Classification Summary - May 2015. Collection method: clinical testing. Allele origin: germline.
Comment: Variant summary: FLNB c.1925G>A (p.Gly642Asp) results in a non-conservative amino acid change in the encoded protein sequence. Four of five in-silico tools predict a benign effect of the variant on protein function. The variant was absent in 250572 control chromosomes (gnomAD). The available data on variant occurrences in the general population are insufficient to allow any conclusion about variant significance. To our knowledge, no occurrence of c.1925G>A in individuals affected with Larsen Syndrome and no experimental evidence demonstrating its impact on protein function have been reported. No clinical diagnostic laboratories have submitted clinical-significance assessments for this variant to ClinVar after 2014. Based on the evidence outlined above, the variant was classified as uncertain significance.